The following is an entry in ClinVar:

ClinVar aggregate classification (germline): Likely benign. Review status: criteria provided, multiple submitters, no conflicts (2 of 4 stars). 2 submissions from 2 submitters: Likely benign (2). Last evaluated 2024-01-31.

Conditions:
Arrhythmogenic right ventricular dysplasia 10. Also called: Arrhythmogenic right ventricular dysplasia/cardiomyopathy, type 10; Arrhythmogenic Right Ventricular Dysplasia/Cardiomyopathy10; ARRHYTHMOGENIC RIGHT VENTRICULAR DYSPLASIA, FAMILIAL, 10. Identifiers: MedGen C1857777, MONDO:0012434, OMIM 610193.
Arrhythmogenic right ventricular cardiomyopathy (ARVD). Also called: Cardiomyopathy, ARVC; Arrhythmogenic right ventricular dysplasia; Arrhythmogenic cardiomyopathy; Arrhythmogenic Right Ventricular Cardiomyopathy (ARVC). Identifiers: Orphanet 247, MedGen C0349788, MeSH D019571, MONDO:0016587. Disease mechanism: loss of function. Inheritance: Various modes of inheritance.

Submissions (2):

Labcorp Genetics (formerly Invitae), Labcorp
Classification: Likely benign for Arrhythmogenic right ventricular dysplasia 10. Last evaluated: 2024-01-31. Review status: criteria provided, single submitter. Criteria: Invitae Variant Classification Sherloc (09022015). Collection method: clinical testing. Allele origin: germline.

All of Us Research Program, National Institutes of Health
Classification: Likely benign for Arrhythmogenic right ventricular cardiomyopathy. Last evaluated: 2023-04-28. Review status: criteria provided, single submitter. Criteria: ACMG Guidelines, 2015. Collection method: clinical testing. Allele origin: germline. Inheritance: Autosomal dominant inheritance. Observed: 1 variant allele, 1 heterozygote.
Comment: This study involves interpretation of variants in research participants for the purpose of population health screening. Participant phenotype was not available at the time of variant classification. Additional details can be found in publication PMID: 35346344, PMCID: PMC8962531

NM_001943.5(DSG2):c.444G>A (p.Lys148=)

Gene: DSG2 (desmoglein 2; plus strand). Cytogenetic location: 18q12.1.
Variant type: single nucleotide variant.
Coding change: c.444G>A on transcript NM_001943.5 (MANE Select); coding-DNA position 444, G replaced by A.
Protein change: p.Lys148=; no amino-acid change (lysine 148 retained).
Molecular consequence: synonymous variant.
Genome position (GRCh38, 1-based): chr18:31,521,164, G>A. VCF-style: chr18-31521164-G-A. GRCh37 (hg19) VCF-style: chr18-29101127-G-A.
Identifiers: ClinVar variation 1576337 (VCV001576337.9), dbSNP rs935833101, ClinGen allele CA503597234.